The following is an entry in ClinVar:

NM_177438.3(DICER1):c.5095+6G>C

Gene: DICER1 (dicer 1, ribonuclease III; minus strand). Cytogenetic location: 14q32.13.
Variant type: single nucleotide variant.
Coding change: c.5095+6G>C on transcript NM_177438.3 (MANE Select); 6 bases into the intron after coding-DNA position 5095, G replaced by C.
Molecular consequence: intron variant.
Genome position (GRCh38, 1-based): chr14:95,095,819, C>G on the plus strand (G>C on the coding strand, the complement: DICER1 is on the minus strand). VCF-style: chr14-95095819-C-G. GRCh37 (hg19) VCF-style: chr14-95562156-C-G.
Other names: c.5095+6G>C (NM_001291628.2, NM_030621.4, NM_001271282.3 and 1 more transcripts).
Identifiers: ClinVar variation 574567 (VCV000574567.12), dbSNP rs760384855, ClinGen allele CA7330750.

ClinVar aggregate classification (germline): Uncertain significance (1 of 4 stars; one submission).

Conditions:
DICER1-related tumor predisposition. Also called: DICER1 syndrome; DICER1-related pleuropulmonary blastoma cancer predisposition syndrome. Identifiers: Orphanet 284343, MedGen C3839822, MONDO:0100216.

gnomAD v4.1: 1 of 1,613,968 alleles (0.000062%); highest among the groups gnomAD compares: Non-Finnish European, 0.000085%; no homozygotes.

Submission:

Labcorp Genetics (formerly Invitae), Labcorp
Classification: Uncertain significance for DICER1-related tumor predisposition. Last evaluated: 2023-12-27. Review status: criteria provided, single submitter. Criteria: Invitae Variant Classification Sherloc (09022015). Collection method: clinical testing. Allele origin: germline.
Comment: This sequence change falls in intron 23 of the DICER1 gene. It does not directly change the encoded amino acid sequence of the DICER1 protein. It affects a nucleotide within the consensus splice site. This variant is present in population databases (rs760384855, gnomAD 0.0009%). This variant has not been reported in the literature in individuals affected with DICER1-related conditions. ClinVar contains an entry for this variant (Variation ID: 574567). Variants that disrupt the consensus splice site are a relatively common cause of aberrant splicing (PMID: 17576681, 9536098). Algorithms developed to predict the effect of sequence changes on RNA splicing suggest that this variant is not likely to affect RNA splicing. In summary, the available evidence is currently insufficient to determine the role of this variant in disease. Therefore, it has been classified as a Variant of Uncertain Significance.

Literature cited by the submitters: PubMed 17576681; PubMed 9536098.